The following is an entry in ClinVar:

ClinVar aggregate classification (germline): Uncertain significance (1 of 4 stars; one submission).

Conditions:
CEP164-related disorder. Also called: CEP164-related condition.

Submission:

PreventionGenetics, part of Exact Sciences
Classification: Uncertain significance for CEP164-related condition. Last evaluated: 2026-05-26. Review status: criteria provided, single submitter. Criteria: ACMG Guidelines, 2015. Collection method: clinical testing. Allele origin: germline.
Comment: The CEP164 c.3960G>T variant is predicted to result in the amino acid substitution p.Arg1320Ser. To our knowledge, this variant has not been reported in the literature or in a large population database (gnomAD), indicating this variant is rare. At this time, the clinical significance of this variant is uncertain due to the absence of conclusive functional and genetic evidence.

NM_014956.5(CEP164):c.3960G>T (p.Arg1320Ser)

Gene: CEP164 (centrosomal protein 164; plus strand). Cytogenetic location: 11q23.3.
Variant type: single nucleotide variant.
Coding change: c.3960G>T on transcript NM_014956.5 (MANE Select); coding-DNA position 3960, G replaced by T.
Protein change: p.Arg1320Ser; replaces arginine 1320 with serine.
Molecular consequence: missense variant.
Genome position (GRCh38, 1-based): chr11:117,409,829, G>T. VCF-style: chr11-117409829-G-T. GRCh37 (hg19) VCF-style: chr11-117280545-G-T.
Other names: c.3945G>T, p.Arg1315Ser (NM_001271933.2); c.3966G>T, p.Arg1322Ser (NM_001440949.1); c.3960G>T, p.Arg1320Ser (NM_001440950.1, NM_001440951.1); c.3951G>T, p.Arg1317Ser (NM_001440952.1); c.3936G>T, p.Arg1312Ser (NM_001440953.1); c.3882G>T, p.Arg1294Ser (NM_001440954.1, NM_001440955.1); c.3873G>T, p.Arg1291Ser (NM_001440956.1); c.3870G>T, p.Arg1290Ser (NM_001440957.1); and 21 more; short protein forms R1192S, R1201S, R1237S, R1271S, R1290S, R1294S, R1312S, R1317S.
Identifiers: ClinVar variation 4992674 (VCV004992674.1).